The following is an entry in ClinVar:

NM_001267550.2(TTN):c.70654G>A (p.Ala23552Thr)

Genes: TTN-AS1 (TTN antisense RNA 1; plus strand), TTN (titin; minus strand), LOC126806422 (BRD4-independent group 4 enhancer GRCh37_chr2:179440205-179441404; plus strand). Cytogenetic location: 2q31.2.
Variant type: single nucleotide variant.
Coding change: c.70654G>A on transcript NM_001267550.2 (MANE Select); coding-DNA position 70654, G replaced by A.
Protein change: p.Ala23552Thr; replaces alanine 23552 with threonine.
Molecular consequence: missense variant.
Genome position (GRCh38, 1-based): chr2:178,575,478, C>T on the plus strand (G>A on the coding strand, the complement: TTN is on the minus strand). VCF-style: chr2-178575478-C-T. GRCh37 (hg19) VCF-style: chr2-179440205-C-T.
Other names: c.65731G>A, p.Ala21911Thr (NM_001256850.1); c.43459G>A, p.Ala14487Thr (NM_003319.4); c.62950G>A, p.Ala20984Thr (NM_133378.4); c.43834G>A, p.Ala14612Thr (NM_133432.3); c.44035G>A, p.Ala14679Thr (NM_133437.4); short protein forms A14487T, A14612T, A14679T, A20984T, A21911T, A23552T.
Identifiers: ClinVar variation 4820439 (VCV004820439.1).

ClinVar aggregate classification (germline): Likely benign (1 of 4 stars; one submission).

gnomAD v4.1: 1 of 1,613,604 alleles (0.000062%); highest among the groups gnomAD compares: Non-Finnish European, 0.000085%; no homozygotes.

Submission:

Molecular Diagnostic Laboratory for Inherited Cardiovascular Disease, Montreal Heart Institute
Classification: Likely benign. Last evaluated: 2026-03-27. Review status: criteria provided, single submitter. Criteria: ACMG Guidelines, 2015. Collection method: clinical testing. Allele origin: germline. Affected: no.
Comment: BP1